The following is an entry in ClinVar:

NM_000017.4(ACADS):c.625-132G>T

Gene: ACADS (acyl-CoA dehydrogenase short chain; plus strand). Cytogenetic location: 12q24.31.
Variant type: single nucleotide variant.
Coding change: c.625-132G>T on transcript NM_000017.4 (MANE Select); 132 bases into the intron before coding-DNA position 625, G replaced by T.
Molecular consequence: intron variant. On other transcripts: missense variant (1).
Genome position (GRCh38, 1-based): chr12:120,738,148, G>T. VCF-style: chr12-120738148-G-T. GRCh37 (hg19) VCF-style: chr12-121175951-G-T.
Other names: c.572G>T, p.Arg191Ile (NM_001302554.2); short protein forms R191I.
Identifiers: ClinVar variation 2643401 (VCV002643401.24), dbSNP rs1211335227, ClinGen allele CA386600655.

ClinVar aggregate classification (germline): Uncertain significance (1 of 4 stars; one submission).

Allele frequency attached by ClinVar (database versions not stated): gnomAD 0.00001; gnomAD exomes 0.00002; TOPMed 0.00003.
gnomAD v4.1: 23 of 1,569,842 alleles (0.0015%); highest among the groups gnomAD compares: Non-Finnish European, 0.002%; no homozygotes.

Submission:

CeGaT Center for Human Genetics Tuebingen
Classification: Uncertain significance. Last evaluated: 2022-12-01. Review status: criteria provided, single submitter. Criteria: CeGaT Center For Human Genetics Tuebingen Variant Classification Criteria Version 2. Collection method: clinical testing. Allele origin: germline. Affected: yes. Observed: 1 variant allele.
Comment: ACADS: PM2, PP3